The following is an entry in ClinVar:

ClinVar aggregate classification (germline): Uncertain significance (1 of 4 stars; one submission).

Conditions:
Nephronophthisis 18 (NPHP18). Identifiers: Orphanet 655, MedGen C3890591, MONDO:0014374, OMIM 615862.

Submission:

Labcorp Genetics (formerly Invitae), Labcorp
Classification: Uncertain significance for Nephronophthisis 18. Last evaluated: 2022-04-15. Review status: criteria provided, single submitter. Criteria: Invitae Variant Classification Sherloc (09022015). Collection method: clinical testing. Allele origin: germline.
Comment: In summary, the available evidence is currently insufficient to determine the role of this variant in disease. Therefore, it has been classified as a Variant of Uncertain Significance. Algorithms developed to predict the effect of missense changes on protein structure and function are either unavailable or do not agree on the potential impact of this missense change (SIFT: "Not Available"; PolyPhen-2: "Possibly Damaging"; Align-GVGD: "Not Available"). This variant has not been reported in the literature in individuals affected with CEP83-related conditions. This variant is not present in population databases (gnomAD no frequency). This sequence change replaces arginine, which is basic and polar, with glycine, which is neutral and non-polar, at codon 549 of the CEP83 protein (p.Arg549Gly).

NM_016122.3(CEP83):c.1645A>G (p.Arg549Gly)

Gene: CEP83 (centrosomal protein 83; minus strand). Cytogenetic location: 12q22.
Variant type: single nucleotide variant.
Coding change: c.1645A>G on transcript NM_016122.3 (MANE Select); coding-DNA position 1645, A replaced by G.
Protein change: p.Arg549Gly; replaces arginine 549 with glycine.
Molecular consequence: missense variant. On other transcripts: non-coding transcript variant (2).
Genome position (GRCh38, 1-based): chr12:94,331,762, T>C on the plus strand (A>G on the coding strand, the complement: CEP83 is on the minus strand). VCF-style: chr12-94331762-T-C. GRCh37 (hg19) VCF-style: chr12-94725538-T-C.
Other names: c.1645A>G, p.Arg549Gly (NM_001042399.2, NM_001346457.2, NM_001368037.1 and 1 more transcripts); c.1333A>G, p.Arg445Gly (NM_001346458.2, NM_001346459.2, NM_001368039.1 and 1 more transcripts); c.1420A>G, p.Arg474Gly (NM_001368041.1); short protein forms R445G, R474G, R549G.
Identifiers: ClinVar variation 2126403 (VCV002126403.4), dbSNP rs2541285967, ClinGen allele CA386143622.